The following is an entry in ClinVar:

ClinVar aggregate classification (germline): Uncertain significance (1 of 4 stars; one submission).

Conditions:
Hereditary cancer-predisposing syndrome. Also called: Neoplastic Syndromes, Hereditary; Hereditary Cancer Syndrome; Tumor predisposition; Hereditary neoplastic syndrome. Identifiers: Orphanet 140162, MedGen C0027672, MeSH D009386, MONDO:0015356.

Submission:

Ambry Genetics
Classification: Uncertain significance for Hereditary cancer-predisposing syndrome. Last evaluated: 2023-02-12. Review status: criteria provided, single submitter. Criteria: Ambry Variant Classification Scheme 2023. Collection method: clinical testing. Allele origin: germline.
Comment: The p.S1525R variant (also known as c.4575C>G), located in coding exon 36 of the POLE gene, results from a C to G substitution at nucleotide position 4575. The serine at codon 1525 is replaced by arginine, an amino acid with dissimilar properties. This amino acid position is conserved. In addition, this alteration is predicted to be tolerated by in silico analysis. Since supporting evidence is limited at this time, the clinical significance of this alteration remains unclear.

NM_006231.4(POLE):c.4575C>G (p.Ser1525Arg)

Gene: POLE (DNA polymerase epsilon, catalytic subunit; minus strand). Cytogenetic location: 12q24.33.
Variant type: single nucleotide variant.
Coding change: c.4575C>G on transcript NM_006231.4 (MANE Select); coding-DNA position 4575, C replaced by G.
Protein change: p.Ser1525Arg; replaces serine 1525 with arginine.
Molecular consequence: missense variant.
Genome position (GRCh38, 1-based): chr12:132,642,973, G>C on the plus strand (C>G on the coding strand, the complement: POLE is on the minus strand). VCF-style: chr12-132642973-G-C. GRCh37 (hg19) VCF-style: chr12-133219559-G-C.
Other names: short protein forms S1525R.
Identifiers: ClinVar variation 2447945 (VCV002447945.2), dbSNP rs2138542931, ClinGen allele CA387379294.